The following is an entry in ClinVar:

NM_001371986.1(UNC80):c.9523T>C (p.Ser3175Pro)

Gene: UNC80 (unc-80 homolog, NALCN channel complex subunit; plus strand). Cytogenetic location: 2q34.
Variant type: single nucleotide variant.
Coding change: c.9523T>C on transcript NM_001371986.1 (MANE Select); coding-DNA position 9523, T replaced by C.
Protein change: p.Ser3175Pro; replaces serine 3175 with proline.
Molecular consequence: missense variant.
Genome position (GRCh38, 1-based): chr2:209,994,079, T>C. VCF-style: chr2-209994079-T-C. GRCh37 (hg19) VCF-style: chr2-210858803-T-C.
Other names: c.9325T>C, p.Ser3109Pro (NM_032504.2); c.9253T>C, p.Ser3085Pro (NM_182587.4); short protein forms S3109P, S3175P, S3085P.
Identifiers: ClinVar variation 1461815 (VCV001461815.5), dbSNP rs1160711073, ClinGen allele CA350415708.

ClinVar aggregate classification (germline): Uncertain significance (1 of 4 stars; one submission).

Allele frequency attached by ClinVar (database versions not stated): TOPMed below 0.00001; gnomAD 0.00001.
gnomAD v4.1: 1 of 1,550,946 alleles (0.000064%); highest among the groups gnomAD compares: Admixed American, 0.002%; no homozygotes.

Submission:

Labcorp Genetics (formerly Invitae), Labcorp
Classification: Uncertain significance. Last evaluated: 2022-01-14. Review status: criteria provided, single submitter. Criteria: Invitae Variant Classification Sherloc (09022015). Collection method: clinical testing. Allele origin: germline.
Comment: This sequence change replaces serine, which is neutral and polar, with proline, which is neutral and non-polar, at codon 3109 of the UNC80 protein (p.Ser3109Pro). This variant is not present in population databases (gnomAD no frequency). This variant has not been reported in the literature in individuals affected with UNC80-related conditions. Algorithms developed to predict the effect of missense changes on protein structure and function are either unavailable or do not agree on the potential impact of this missense change (SIFT: "Not Available"; PolyPhen-2: "Possibly Damaging"; Align-GVGD: "Not Available"). In summary, the available evidence is currently insufficient to determine the role of this variant in disease. Therefore, it has been classified as a Variant of Uncertain Significance.